The following is an entry in ClinVar:

ClinVar aggregate classification (germline): Uncertain significance. Review status: criteria provided, multiple submitters, no conflicts (2 of 4 stars). 2 submissions from 2 submitters: Uncertain significance (2). Last evaluated 2026-07-13.

Conditions:
Brugada syndrome 8 (BRGDA8). Identifiers: Orphanet 130, MedGen C2751083, MONDO:0013148, OMIM 613123.
Cardiovascular phenotype. Identifiers: MedGen CN230736.

Submissions (2):

Ambry Genetics
Classification: Uncertain significance for Cardiovascular phenotype. Last evaluated: 2026-07-13. Review status: criteria provided, single submitter. Criteria: Ambry Variant Classification Scheme 2023. Collection method: clinical testing. Allele origin: germline.
Comment: The p.V439I variant (also known as c.1315G>A), located in coding exon 3 of the HCN4 gene, results from a G to A substitution at nucleotide position 1315. The valine at codon 439 is replaced by isoleucine, an amino acid with highly similar properties. This amino acid position is conserved. In addition, the in silico prediction for this alteration is inconclusive. Based on the available evidence, the clinical significance of this variant remains unclear.

Labcorp Genetics (formerly Invitae), Labcorp
Classification: Uncertain significance for Brugada syndrome 8. Last evaluated: 2023-01-28. Review status: criteria provided, single submitter. Criteria: Invitae Variant Classification Sherloc (09022015). Collection method: clinical testing. Allele origin: germline.
Comment: In summary, the available evidence is currently insufficient to determine the role of this variant in disease. Therefore, it has been classified as a Variant of Uncertain Significance. Advanced modeling of protein sequence and biophysical properties (such as structural, functional, and spatial information, amino acid conservation, physicochemical variation, residue mobility, and thermodynamic stability) performed at Invitae indicates that this missense variant is not expected to disrupt HCN4 protein function. This variant has not been reported in the literature in individuals affected with HCN4-related conditions. This variant is not present in population databases (gnomAD no frequency). This sequence change replaces valine, which is neutral and non-polar, with isoleucine, which is neutral and non-polar, at codon 439 of the HCN4 protein (p.Val439Ile).

NM_005477.3(HCN4):c.1315G>A (p.Val439Ile)

Gene: HCN4 (hyperpolarization activated cyclic nucleotide gated potassium channel 4; minus strand). Cytogenetic location: 15q24.1.
Variant type: single nucleotide variant.
Coding change: c.1315G>A on transcript NM_005477.3 (MANE Select); coding-DNA position 1315, G replaced by A.
Protein change: p.Val439Ile; replaces valine 439 with isoleucine.
Molecular consequence: missense variant.
Genome position (GRCh38, 1-based): chr15:73,332,187, C>T on the plus strand (G>A on the coding strand, the complement: HCN4 is on the minus strand). VCF-style: chr15-73332187-C-T. GRCh37 (hg19) VCF-style: chr15-73624528-C-T.
Other names: c.1315G>A (NM_005477.2); short protein forms V439I.
Identifiers: ClinVar variation 2832397 (VCV002832397.4), dbSNP rs769157750, ClinGen allele CA393094362.
Genomic context (GRCh38, chr15:73,332,187, plus strand): 5'-TCACCACCATGTTGTTGATGGACACCCAGCAGTCGTCAGGGAAGTCCTGTAGCATGGGTA[C>T]CAGGAACTGCAGGCAGCCGTCCCAGTGGCAGAGCAGGAGCATCATGCCGATGAGGTTCAC-3'
Protein context (NP_005468.1, residues 429-449): CHWDGCLQFL[Val439Ile]PMLQDFPDDC